The following is an entry in ClinVar:

NM_004415.4(DSP):c.6224G>T (p.Arg2075Leu)

Gene: DSP (desmoplakin; plus strand). Cytogenetic location: 6p24.3.
Variant type: single nucleotide variant.
Coding change: c.6224G>T on transcript NM_004415.4 (MANE Select); coding-DNA position 6224, G replaced by T.
Protein change: p.Arg2075Leu; replaces arginine 2075 with leucine.
Molecular consequence: missense variant.
Genome position (GRCh38, 1-based): chr6:7,583,486, G>T. VCF-style: chr6-7583486-G-T. GRCh37 (hg19) VCF-style: chr6-7583719-G-T.
Other names: c.4427G>T, p.Arg1476Leu (NM_001008844.3); c.4895G>T, p.Arg1632Leu (NM_001319034.2); short protein forms R1632L, R2075L, R1476L.
Identifiers: ClinVar variation 2120836 (VCV002120836.4), dbSNP rs759000314, ClinGen allele CA362690340.

ClinVar aggregate classification (germline): Uncertain significance (1 of 4 stars; one submission).

Conditions:
Arrhythmogenic cardiomyopathy with wooly hair and keratoderma. Also called: Carvajal syndrome; Arrhythmogenic cardiomyopathy with woolly hair and keratoderma; Dilated cardiomyopathy with woolly hair and keratoderma; PALMOPLANTAR KERATODERMA WITH LEFT VENTRICULAR CARDIOMYOPATHY AND WOOLLY HAIR. Identifiers: Orphanet 65282, MedGen C1854063, MONDO:0011581, OMIM 605676.
Arrhythmogenic right ventricular dysplasia 8 (ARVD8). Also called: Arrhythmogenic Right Ventricular Dysplasia/Cardiomyopathy 8; ARRHYTHMOGENIC RIGHT VENTRICULAR CARDIOMYOPATHY 8; ARRHYTHMOGENIC RIGHT VENTRICULAR DYSPLASIA, FAMILIAL, 8. Identifiers: MedGen C1843896, MONDO:0011831, OMIM 607450.

Submission:

Labcorp Genetics (formerly Invitae), Labcorp
Classification: Uncertain significance for Arrhythmogenic cardiomyopathy with wooly hair and keratoderma; Arrhythmogenic right ventricular dysplasia 8. Last evaluated: 2022-04-02. Review status: criteria provided, single submitter. Criteria: Invitae Variant Classification Sherloc (09022015). Collection method: clinical testing. Allele origin: germline.
Comment: This sequence change replaces arginine, which is basic and polar, with leucine, which is neutral and non-polar, at codon 2075 of the DSP protein (p.Arg2075Leu). This variant is not present in population databases (gnomAD no frequency). This variant has not been reported in the literature in individuals affected with DSP-related conditions. Algorithms developed to predict the effect of missense changes on protein structure and function are either unavailable or do not agree on the potential impact of this missense change (SIFT: "Deleterious"; PolyPhen-2: "Probably Damaging"; Align-GVGD: "Class C15"). In summary, the available evidence is currently insufficient to determine the role of this variant in disease. Therefore, it has been classified as a Variant of Uncertain Significance.